The following is an entry in ClinVar:

NM_144687.4(NLRP12):c.666C>A (p.Gly222=)

Gene: NLRP12 (NLR family pyrin domain containing 12; minus strand). Cytogenetic location: 19q13.42.
Variant type: single nucleotide variant.
Coding change: c.666C>A on transcript NM_144687.4 (MANE Select); coding-DNA position 666, C replaced by A.
Protein change: p.Gly222=; no amino-acid change (glycine 222 retained).
Molecular consequence: synonymous variant.
Genome position (GRCh38, 1-based): chr19:53,810,993, G>T on the plus strand (C>A on the coding strand, the complement: NLRP12 is on the minus strand). VCF-style: chr19-53810993-G-T. GRCh37 (hg19) VCF-style: chr19-54314247-G-T.
Other names: c.666C>A, p.Gly222= (NM_001277126.2, NM_001277129.1).
Identifiers: ClinVar variation 2173537 (VCV002173537.22), dbSNP rs758065896, ClinGen allele CA9639635.

ClinVar aggregate classification (germline): Likely benign. Review status: criteria provided, multiple submitters, no conflicts (2 of 4 stars). 2 submissions from 2 submitters: Likely benign (2). Last evaluated 2026-08-01.

Conditions:
Familial cold autoinflammatory syndrome 2 (FCAS2). Identifiers: Orphanet 247868, MedGen C2673198, MONDO:0012724, OMIM 611762.

Allele frequency attached by ClinVar (database versions not stated): gnomAD 0.00001; ExAC 0.00002; TOPMed 0.00002.
gnomAD v4.1: 19 of 1,614,044 alleles (0.0012%); highest among the groups gnomAD compares: Middle Eastern, 0.016%; no homozygotes.

Submissions (2):

CeGaT Center for Human Genetics Tuebingen
Classification: Likely benign. Last evaluated: 2026-08-01. Review status: criteria provided, single submitter. Criteria: CeGaT Center For Human Genetics Tuebingen Variant Classification Criteria Version 2. Collection method: clinical testing. Allele origin: germline. Affected: yes. Observed: 2 variant alleles.
Comment: NLRP12: BP4, BP7

Labcorp Genetics (formerly Invitae), Labcorp
Classification: Likely benign for Familial cold autoinflammatory syndrome 2. Last evaluated: 2025-11-22. Review status: criteria provided, single submitter. Criteria: Invitae Variant Classification Sherloc (09022015). Collection method: clinical testing. Allele origin: germline.